The following is an entry in ClinVar:

ClinVar aggregate classification (germline): Uncertain significance (1 of 4 stars; one submission).

gnomAD v4.1: 29 of 1,613,954 alleles (0.0018%); highest among the groups gnomAD compares: East Asian, 0.0022%; no homozygotes.

Submission:

Labcorp Genetics (formerly Invitae), Labcorp
Classification: Uncertain significance. Last evaluated: 2024-02-24. Review status: criteria provided, single submitter. Criteria: Invitae Variant Classification Sherloc (09022015). Collection method: clinical testing. Allele origin: germline.
Comment: This sequence change replaces arginine, which is basic and polar, with glutamine, which is neutral and polar, at codon 2295 of the RNF213 protein (p.Arg2295Gln). The frequency data for this variant in the population databases is considered unreliable, as metrics indicate poor data quality at this position in the gnomAD database. This variant has not been reported in the literature in individuals affected with RNF213-related conditions. An algorithm developed to predict the effect of missense changes on protein structure and function (PolyPhen-2) suggests that this variant is likely to be disruptive. In summary, the available evidence is currently insufficient to determine the role of this variant in disease. Therefore, it has been classified as a Variant of Uncertain Significance.

NM_001256071.3(RNF213):c.6884G>A (p.Arg2295Gln)

Gene: RNF213 (ring finger protein 213; plus strand). Cytogenetic location: 17q25.3.
Variant type: single nucleotide variant.
Coding change: c.6884G>A on transcript NM_001256071.3 (MANE Select); coding-DNA position 6884, G replaced by A.
Protein change: p.Arg2295Gln; replaces arginine 2295 with glutamine.
Molecular consequence: missense variant.
Genome position (GRCh38, 1-based): chr17:80,345,219, G>A. VCF-style: chr17-80345219-G-A. GRCh37 (hg19) VCF-style: chr17-78319019-G-A.
Other names: c.7031G>A, p.Arg2344Gln (NM_001410195.1, NM_020914.5); short protein forms R2295Q, R2344Q.
Identifiers: ClinVar variation 3616424 (VCV003616424.2).